The following is an entry in ClinVar:

NM_006031.6(PCNT):c.5752G>T (p.Glu1918Ter)

Gene: PCNT (pericentrin; plus strand). Cytogenetic location: 21q22.3.
Variant type: single nucleotide variant.
Coding change: c.5752G>T on transcript NM_006031.6 (MANE Select); coding-DNA position 5752, G replaced by T.
Protein change: p.Glu1918Ter; replaces glutamic acid 1918 with a stop codon.
Molecular consequence: nonsense.
Genome position (GRCh38, 1-based): chr21:46,411,825, G>T. VCF-style: chr21-46411825-G-T. GRCh37 (hg19) VCF-style: chr21-47831739-G-T.
Other names: c.5398G>T, p.Glu1800Ter (NM_001315529.2); short protein forms E1800*, E1918*.
Identifiers: ClinVar variation 2869966 (VCV002869966.3), dbSNP rs749854039, ClinGen allele CA410556554.

ClinVar aggregate classification (germline): Pathogenic (1 of 4 stars; one submission).

Allele frequency attached by ClinVar (database versions not stated): gnomAD 0.00001.
gnomAD v4.1: 4 of 1,571,788 alleles (0.00025%); highest among the groups gnomAD compares: Non-Finnish European, 0.00017%; no homozygotes.

Submission:

Labcorp Genetics (formerly Invitae), Labcorp
Classification: Pathogenic. Last evaluated: 2023-06-09. Review status: criteria provided, single submitter. Criteria: Invitae Variant Classification Sherloc (09022015). Collection method: clinical testing. Allele origin: germline.
Comment: For these reasons, this variant has been classified as Pathogenic. This variant has not been reported in the literature in individuals affected with PCNT-related conditions. This variant is not present in population databases (gnomAD no frequency). This sequence change creates a premature translational stop signal (p.Glu1918*) in the PCNT gene. It is expected to result in an absent or disrupted protein product. Loss-of-function variants in PCNT are known to be pathogenic (PMID: 18174396, 22821869).

Literature cited by the submitters: PubMed 18174396; PubMed 22821869.